The following is an entry in ClinVar:

NM_006904.7(PRKDC):c.8660C>G (p.Pro2887Arg)

Genes: PRKDC (protein kinase, DNA-activated, catalytic subunit; minus strand), LOC121740717 (Sharpr-MPRA regulatory region 7649; plus strand). Cytogenetic location: 8q11.21.
Variant type: single nucleotide variant.
Coding change: c.8660C>G on transcript NM_006904.7 (MANE Select); coding-DNA position 8660, C replaced by G.
Protein change: p.Pro2887Arg; replaces proline 2887 with arginine.
Molecular consequence: missense variant.
Genome position (GRCh38, 1-based): chr8:47,826,779, G>C on the plus strand (C>G on the coding strand, the complement: PRKDC is on the minus strand). VCF-style: chr8-47826779-G-C. GRCh37 (hg19) VCF-style: chr8-48739340-G-C.
Other names: c.8660C>G, p.Pro2887Arg (NM_001081640.2); short protein forms P2887R.
Identifiers: ClinVar variation 1764226 (VCV001764226.2), dbSNP rs2551866144, ClinGen allele CA371143881.

ClinVar aggregate classification (germline): Uncertain significance (1 of 4 stars; one submission).

Submission:

Ambry Genetics
Classification: Uncertain significance. Last evaluated: 2022-05-29. Review status: criteria provided, single submitter. Criteria: Ambry Variant Classification Scheme 2023. Collection method: clinical testing. Allele origin: germline.
Comment: The p.P2887R variant (also known as c.8660C>G), located in coding exon 63 of the PRKDC gene, results from a C to G substitution at nucleotide position 8660. The proline at codon 2887 is replaced by arginine, an amino acid with dissimilar properties. This amino acid position is conserved. Since supporting evidence is limited at this time, the clinical significance of this alteration remains unclear.